The following is an entry in ClinVar:

NM_001291303.3(FAT4):c.7251A>G (p.Gly2417=)

Gene: FAT4 (FAT atypical cadherin 4; plus strand). Cytogenetic location: 4q28.1.
Variant type: single nucleotide variant.
Coding change: c.7251A>G on transcript NM_001291303.3 (MANE Select); coding-DNA position 7251, A replaced by G.
Protein change: p.Gly2417=; no amino-acid change (glycine 2417 retained).
Molecular consequence: synonymous variant.
Genome position (GRCh38, 1-based): chr4:125,446,344, A>G. VCF-style: chr4-125446344-A-G. GRCh37 (hg19) VCF-style: chr4-126367499-A-G.
Other names: c.7251A>G, p.Gly2417= (NM_001291285.3); c.7245A>G, p.Gly2415= (NM_024582.6).
Identifiers: ClinVar variation 2655083 (VCV002655083.25), dbSNP rs763936792, ClinGen allele CA3073150.

ClinVar aggregate classification (germline): Likely benign. Review status: criteria provided, multiple submitters, no conflicts (2 of 4 stars). 2 submissions from 2 submitters: Likely benign (2). Last evaluated 2025-10-29.

Allele frequency attached by ClinVar (database versions not stated): gnomAD exomes below 0.00001; ExAC 0.00001; gnomAD 0.00001; TOPMed 0.00001.
gnomAD v4.1: 3 of 1,613,192 alleles (0.00019%); highest among the groups gnomAD compares: Non-Finnish European, 0.00025%; no homozygotes.

Submissions (2):

Labcorp Genetics (formerly Invitae), Labcorp
Classification: Likely benign. Last evaluated: 2025-10-29. Review status: criteria provided, single submitter. Criteria: Invitae Variant Classification Sherloc (09022015). Collection method: clinical testing. Allele origin: germline.

CeGaT Center for Human Genetics Tuebingen
Classification: Likely benign. Last evaluated: 2022-07-01. Review status: criteria provided, single submitter. Criteria: CeGaT Center For Human Genetics Tuebingen Variant Classification Criteria Version 2. Collection method: clinical testing. Allele origin: germline. Affected: yes. Observed: 1 variant allele.
Comment: FAT4: BP4, BP7